The following is an entry in ClinVar:

ClinVar aggregate classification (germline): Likely benign (1 of 4 stars; one submission).

Allele frequency attached by ClinVar (database versions not stated): 1000 Genomes Project 0.00040; 1000 Genomes Project 30x 0.00047; ExAC 0.00051; ESP Exome Variant Server 0.00065; gnomAD 0.00066; TOPMed 0.00073; gnomAD exomes 0.00114.
gnomAD v4.1: 1,777 of 1,613,988 alleles (0.11%); highest among the groups gnomAD compares: Non-Finnish European, 0.13%; 1 homozygote.

Submission:

CeGaT Center for Human Genetics Tuebingen
Classification: Likely benign. Last evaluated: 2022-07-01. Review status: criteria provided, single submitter. Criteria: CeGaT Center For Human Genetics Tuebingen Variant Classification Criteria Version 2. Collection method: clinical testing. Allele origin: germline. Affected: yes. Observed: 1 variant allele.
Comment: ADAMTSL1: BP4, BP7

NM_001040272.6(ADAMTSL1):c.4293T>C (p.Phe1431=)

Gene: ADAMTSL1 (ADAMTS like 1; plus strand). Cytogenetic location: 9p22.1.
Variant type: single nucleotide variant.
Coding change: c.4293T>C on transcript NM_001040272.6 (MANE Select); coding-DNA position 4293, T replaced by C.
Protein change: p.Phe1431=; no amino-acid change (phenylalanine 1431 retained).
Molecular consequence: synonymous variant.
Genome position (GRCh38, 1-based): chr9:18,887,874, T>C. VCF-style: chr9-18887874-T-C. GRCh37 (hg19) VCF-style: chr9-18887872-T-C.
Identifiers: ClinVar variation 2659101 (VCV002659101.24), dbSNP rs138081231, ClinGen allele CA5000025.